The following is an entry in ClinVar:

ClinVar aggregate classification (germline): Uncertain significance (1 of 4 stars; one submission).

gnomAD v4.1: 1 of 1,614,250 alleles (0.000062%); highest among the groups gnomAD compares: South Asian, 0.0011%; no homozygotes.

Submission:

GeneDx
Classification: Uncertain significance. Last evaluated: 2025-08-15. Review status: criteria provided, single submitter. Criteria: GeneDx Variant Classification Process June 2021. Collection method: clinical testing. Allele origin: germline. Affected: yes.
Comment: Not observed at significant frequency in large population cohorts (gnomAD); In silico analysis supports that this missense variant has a deleterious effect on protein structure/function; Has not been previously published as pathogenic or benign to our knowledge; In silico analysis suggests this variant may impact gene splicing. In the absence of RNA/functional studies, the actual effect of this sequence change is unknown.

NM_004958.4(MTOR):c.1643T>G (p.Met548Arg)

Gene: MTOR (mechanistic target of rapamycin kinase; minus strand). Cytogenetic location: 1p36.22.
Variant type: single nucleotide variant.
Coding change: c.1643T>G on transcript NM_004958.4 (MANE Select); coding-DNA position 1643, T replaced by G.
Protein change: p.Met548Arg; replaces methionine 548 with arginine.
Molecular consequence: missense variant.
Genome position (GRCh38, 1-based): chr1:11,240,446, A>C on the plus strand (T>G on the coding strand, the complement: MTOR is on the minus strand). VCF-style: chr1-11240446-A-C. GRCh37 (hg19) VCF-style: chr1-11300503-A-C.
Other names: c.1643T>G, p.Met548Arg (NM_001386500.1); c.395T>G, p.Met132Arg (NM_001386501.1); short protein forms M548R, M132R.
Identifiers: ClinVar variation 4795347 (VCV004795347.1).